The following is an entry in ClinVar:

ClinVar aggregate classification (germline): Uncertain significance (1 of 4 stars; one submission).

Conditions:
Hereditary breast ovarian cancer syndrome. Also called: BRCA1- and BRCA2-Associated Hereditary Breast and Ovarian Cancer; Hereditary breast and ovarian cancer; Hereditary breast and ovarian cancer syndrome (HBOC); Hereditary breast and/or ovarian cancer syndrome; Hereditary breast and ovarian cancer syndrome; Breast and ovarian cancer. Identifiers: Orphanet 145, MedGen C0677776, MeSH D061325, MONDO:0003582. Disease mechanism: loss of function.

Submission:

Labcorp Genetics (formerly Invitae), Labcorp
Classification: Uncertain significance for Hereditary breast ovarian cancer syndrome. Last evaluated: 2021-10-16. Review status: criteria provided, single submitter. Criteria: Invitae Variant Classification Sherloc (09022015). Collection method: clinical testing. Allele origin: germline.
Comment: In summary, the available evidence is currently insufficient to determine the role of this variant in disease. Therefore, it has been classified as a Variant of Uncertain Significance. This sequence change replaces proline with leucine at codon 2800 of the BRCA2 protein (p.Pro2800Leu). The proline residue is highly conserved and there is a moderate physicochemical difference between proline and leucine. This variant is not present in population databases (ExAC no frequency). This variant has not been reported in the literature in individuals affected with BRCA2-related conditions. Advanced modeling of protein sequence and biophysical properties (such as structural, functional, and spatial information, amino acid conservation, physicochemical variation, residue mobility, and thermodynamic stability) performed at Invitae indicates that this missense variant is not expected to disrupt BRCA2 protein function.

NM_000059.4(BRCA2):c.8399C>T (p.Pro2800Leu)

Gene: BRCA2 (BRCA2 DNA repair associated; plus strand). Cytogenetic location: 13q13.1.
Variant type: single nucleotide variant.
Coding change: c.8399C>T on transcript NM_000059.4 (MANE Select); coding-DNA position 8399, C replaced by T.
Protein change: p.Pro2800Leu; replaces proline 2800 with leucine.
Molecular consequence: missense variant.
Genome position (GRCh38, 1-based): chr13:32,370,469, C>T. VCF-style: chr13-32370469-C-T. GRCh37 (hg19) VCF-style: chr13-32944606-C-T.
Other names: short protein forms P2800L.
Identifiers: ClinVar variation 1446868 (VCV001446868.6), dbSNP rs80359087, ClinGen allele CA387752490.